The following is an entry in ClinVar:

NM_004525.3(LRP2):c.6419A>G (p.His2140Arg)

Gene: LRP2 (LDL receptor related protein 2; minus strand). Cytogenetic location: 2q31.1.
Variant type: single nucleotide variant.
Coding change: c.6419A>G on transcript NM_004525.3 (MANE Select); coding-DNA position 6419, A replaced by G.
Protein change: p.His2140Arg; replaces histidine 2140 with arginine.
Molecular consequence: missense variant.
Genome position (GRCh38, 1-based): chr2:169,209,503, T>C on the plus strand (A>G on the coding strand, the complement: LRP2 is on the minus strand). VCF-style: chr2-169209503-T-C. GRCh37 (hg19) VCF-style: chr2-170066013-T-C.
Other names: short protein forms H2140R.
Identifiers: ClinVar variation 894733 (VCV000894733.9), dbSNP rs143199431, ClinGen allele CA1954296.
Genomic context (GRCh38, chr2:169,209,503, plus strand): 5'-GCTTACATACCTGCTACCCAATCCACTGCAATACCCCGGACTCCATTTTCTCCTATTCCA[T>C]GTGTCACAATGTTCATCAGAGAAGATCCATCTGGTTTAATTCTACGGATCGCATTATCAG-3'
Protein context (NP_004516.2, residues 2130-2150): DGSSLMNIVT[His2140Arg]GIGENGVRGI

ClinVar aggregate classification (germline): Uncertain significance. Review status: criteria provided, multiple submitters, no conflicts (2 of 4 stars). 3 submissions from 3 submitters: Uncertain significance (3). Last evaluated 2024-02-03.

Conditions:
Donnai-Barrow syndrome. Also called: DBS/FOAR SYNDROME; FACIOOCULOACOUSTICORENAL SYNDROME. Identifiers: Orphanet 2143, MedGen C1857277, MONDO:0009104, OMIM 222448.

Allele frequency attached by ClinVar (database versions not stated): ExAC 0.00002; gnomAD 0.00002; gnomAD exomes 0.00003 and 0.00006; TOPMed 0.00003; ESP Exome Variant Server 0.00008.
gnomAD v4.1: 82 of 1,614,036 alleles (0.0051%); highest among the groups gnomAD compares: Non-Finnish European, 0.0068%; no homozygotes.

Submissions (3):

Fulgent Genetics
Classification: Uncertain significance for Donnai-Barrow syndrome. Last evaluated: 2024-02-03. Review status: criteria provided, single submitter. Criteria: ACMG Guidelines, 2015. Collection method: clinical testing. Allele origin: germline.

Labcorp Genetics (formerly Invitae), Labcorp
Classification: Uncertain significance. Last evaluated: 2022-03-09. Review status: criteria provided, single submitter. Criteria: Invitae Variant Classification Sherloc (09022015). Collection method: clinical testing. Allele origin: germline.
Comment: This sequence change replaces histidine, which is basic and polar, with arginine, which is basic and polar, at codon 2140 of the LRP2 protein (p.His2140Arg). This variant is present in population databases (rs143199431, gnomAD 0.007%). This variant has not been reported in the literature in individuals affected with LRP2-related conditions. ClinVar contains an entry for this variant (Variation ID: 894733). Advanced modeling of protein sequence and biophysical properties (such as structural, functional, and spatial information, amino acid conservation, physicochemical variation, residue mobility, and thermodynamic stability) performed at Invitae indicates that this missense variant is not expected to disrupt LRP2 protein function. In summary, the available evidence is currently insufficient to determine the role of this variant in disease. Therefore, it has been classified as a Variant of Uncertain Significance.

Illumina Laboratory Services, Illumina
Classification: Uncertain significance for Donnai-Barrow syndrome. Last evaluated: 2018-01-12. Review status: criteria provided, single submitter. Criteria: ICSL Variant Classification Criteria 13 December 2019. Collection method: clinical testing. Allele origin: germline.